The following is an entry in ClinVar:

ClinVar aggregate classification (germline): Benign (1 of 4 stars; one submission).

gnomAD v4.1: 226 of 1,613,794 alleles (0.014%); highest among the groups gnomAD compares: South Asian, 0.096%; 2 homozygotes.

Submission:

CeGaT Center for Human Genetics Tuebingen
Classification: Benign. Last evaluated: 2025-02-01. Review status: criteria provided, single submitter. Criteria: CeGaT Center For Human Genetics Tuebingen Variant Classification Criteria Version 2. Collection method: clinical testing. Allele origin: germline. Affected: yes. Observed: 1 variant allele.
Comment: ABCA13: BS1, BS2

NM_152701.5(ABCA13):c.10252C>T (p.Arg3418Cys)

Gene: ABCA13 (ATP binding cassette subfamily A member 13; plus strand). Cytogenetic location: 7p12.3.
Variant type: single nucleotide variant.
Coding change: c.10252C>T on transcript NM_152701.5 (MANE Select); coding-DNA position 10252, C replaced by T.
Protein change: p.Arg3418Cys; replaces arginine 3418 with cysteine.
Molecular consequence: missense variant.
Genome position (GRCh38, 1-based): chr7:48,350,690, C>T. VCF-style: chr7-48350690-C-T. GRCh37 (hg19) VCF-style: chr7-48390287-C-T.
Other names: short protein forms R3418C.
Identifiers: ClinVar variation 3770947 (VCV003770947.13).
Genomic context (GRCh38, chr7:48,350,690, plus strand): 5'-TCACTTTCCTCAGGAGGGCTGCTGGATGAGATGTTTAACCATGCAGGCGCTGGACGCTTC[C>T]GTTTCTTGGGCAGCATCTTGGTCAATCTCTCTTCCTGCGTGGCACTGAACCGTTTCCAGG-3'
Protein context (NP_689914.3, residues 3408-3428): MFNHAGAGRF[Arg3418Cys]FLGSILVNLS